The following is an entry in ClinVar:

NM_002187.3(IL12B):c.494C>G (p.Pro165Arg)

Gene: IL12B (interleukin 12B; minus strand). Cytogenetic location: 5q33.3.
Variant type: single nucleotide variant.
Coding change: c.494C>G on transcript NM_002187.3 (MANE Select); coding-DNA position 494, C replaced by G.
Protein change: p.Pro165Arg; replaces proline 165 with arginine.
Molecular consequence: missense variant.
Genome position (GRCh38, 1-based): chr5:159,320,509, G>C on the plus strand (C>G on the coding strand, the complement: IL12B is on the minus strand). VCF-style: chr5-159320509-G-C. GRCh37 (hg19) VCF-style: chr5-158747517-G-C.
Other names: short protein forms P165R.
Identifiers: ClinVar variation 1513218 (VCV001513218.4), dbSNP rs867995975, ClinGen allele CA362033023.

ClinVar aggregate classification (germline): Uncertain significance (1 of 4 stars; one submission).

Conditions:
Mendelian susceptibility to mycobacterial diseases due to complete IL12B deficiency. Also called: IL12B DEFICIENCY; Immunodeficiency 29. Identifiers: Orphanet 319558, MedGen C4013948, MONDO:0013954, OMIM 614890.

Allele frequency attached by ClinVar (database versions not stated): TOPMed below 0.00001; gnomAD exomes 0.00001.

Submission:

Labcorp Genetics (formerly Invitae), Labcorp
Classification: Uncertain significance for Mendelian susceptibility to mycobacterial diseases due to complete IL12B deficiency. Last evaluated: 2025-07-28. Review status: criteria provided, single submitter. Criteria: Invitae Variant Classification Sherloc (09022015). Collection method: clinical testing. Allele origin: germline.
Comment: This sequence change replaces proline, which is neutral and non-polar, with arginine, which is basic and polar, at codon 165 of the IL12B protein (p.Pro165Arg). This variant is present in population databases (no rsID available, gnomAD 0.02%). This variant has not been reported in the literature in individuals affected with IL12B-related conditions. ClinVar contains an entry for this variant (Variation ID: 1513218). Invitae Evidence Modeling of protein sequence and biophysical properties (such as structural, functional, and spatial information, amino acid conservation, physicochemical variation, residue mobility, and thermodynamic stability) indicates that this missense variant is expected to disrupt IL12B protein function with a positive predictive value of 80%. In summary, the available evidence is currently insufficient to determine the role of this variant in disease. Therefore, it has been classified as a Variant of Uncertain Significance.